The following is an entry in ClinVar:

NM_005585.5(SMAD6):c.18_22dup (p.Gly8fs)

Gene: SMAD6 (SMAD family member 6; plus strand). Cytogenetic location: 15q22.31.
Variant type: Duplication.
Coding change: c.18_22dup on transcript NM_005585.5 (MANE Select); coding-DNA positions 18 to 22, 5 bases duplicated (CTCGG; older notation c.18_22dupCTCGG).
Protein change: p.Gly8fs; shifts the reading frame from glycine 8.
Molecular consequence: frameshift variant. On other transcripts: non-coding transcript variant (1).
Genome position (GRCh38, 1-based): chr15:66,703,276-66,703,280, CTCGG duplicated; duplicating any 5 consecutive bases within chr15:66,703,275-66,703,280 gives the same sequence; the c. name uses the placement nearest the transcript's 3' end. VCF-style (leftmost placement, unchanged base first): chr15-66703274-C-CGCTCG. GRCh37 (hg19) VCF-style: chr15-66995612-C-CGCTCG.
Other names: short protein forms G8fs.
Identifiers: ClinVar variation 2697678 (VCV002697678.3), dbSNP rs2545310197, ClinGen allele CA2697549144.
Genomic context (GRCh38, chr15:66,703,274, plus strand): 5'-ACCGGAGACCGCCTCCCCCCCACCCCTGGCGCCAAAGGATATCGTATGTTCAGGTCCAAA[C>CGCTCG]GCTCGGGGCTGGTGCGGCGACTTTGGCGAAGTCGTGTGGTCCCCGACCGGGAGGAAGGCG-3'

ClinVar aggregate classification (germline): Uncertain significance (1 of 4 stars; one submission).

Conditions:
Aortic valve disease 2 (AOVD2). Identifiers: MedGen C3542024, MONDO:0013902, OMIM 614823.

Submission:

Labcorp Genetics (formerly Invitae), Labcorp
Classification: Uncertain significance for Aortic valve disease 2. Last evaluated: 2023-12-19. Review status: criteria provided, single submitter. Criteria: Invitae Variant Classification Sherloc (09022015). Collection method: clinical testing. Allele origin: germline.
Comment: This sequence change creates a premature translational stop signal (p.Gly8Alafs*58) in the SMAD6 gene. It is expected to result in an absent or disrupted protein product. However, the current clinical and genetic evidence is not sufficient to establish whether loss-of-function variants in SMAD6 cause disease. This variant is not present in population databases (gnomAD no frequency). This variant has not been reported in the literature in individuals affected with SMAD6-related conditions. In summary, the available evidence is currently insufficient to determine the role of this variant in disease. Therefore, it has been classified as a Variant of Uncertain Significance.